The following is an entry in ClinVar:

NM_203446.3(SYNJ1):c.528T>A (p.Asp176Glu)

Gene: SYNJ1 (synaptojanin 1; minus strand). Cytogenetic location: 21q22.11.
Variant type: single nucleotide variant.
Coding change: c.528T>A on transcript NM_203446.3 (MANE Select); coding-DNA position 528, T replaced by A.
Protein change: p.Asp176Glu; replaces aspartic acid 176 with glutamic acid.
Molecular consequence: missense variant.
Genome position (GRCh38, 1-based): chr21:32,695,234, A>T on the plus strand (T>A on the coding strand, the complement: SYNJ1 is on the minus strand). VCF-style: chr21-32695234-A-T. GRCh37 (hg19) VCF-style: chr21-34067544-A-T.
Other names: c.528T>A, p.Asp176Glu (NM_001160302.2, NM_001160306.2); c.645T>A, p.Asp215Glu (NM_003895.4); short protein forms D176E, D215E.
Identifiers: ClinVar variation 1016420 (VCV001016420.10), dbSNP rs1277503442, ClinGen allele CA410098741.

ClinVar aggregate classification (germline): Uncertain significance. Review status: criteria provided, multiple submitters, no conflicts (2 of 4 stars). 2 submissions from 2 submitters: Uncertain significance (2). Last evaluated 2022-07-25.

Conditions:
Early-onset Parkinson disease 20. Also called: PARKINSON DISEASE 20, AUTOSOMAL RECESSIVE EARLY-ONSET. Identifiers: Orphanet 391411, MedGen C3809824, MONDO:0014233, OMIM 615530.
Developmental and epileptic encephalopathy, 53. Also called: Epileptic encephalopathy, early infantile, 53. Identifiers: MedGen C4479313, MONDO:0033362, OMIM 617389.

Allele frequency attached by ClinVar (database versions not stated): gnomAD exomes below 0.00001; TOPMed 0.00001.
gnomAD v4.1: 1 of 1,614,178 alleles (0.000062%); highest among the groups gnomAD compares: Admixed American, 0.0017%; no homozygotes.

Submissions (2):

Labcorp Genetics (formerly Invitae), Labcorp
Classification: Uncertain significance for Developmental and epileptic encephalopathy, 53; Early-onset Parkinson disease 20. Last evaluated: 2022-07-25. Review status: criteria provided, single submitter. Criteria: Invitae Variant Classification Sherloc (09022015). Collection method: clinical testing. Allele origin: germline.
Comment: ClinVar contains an entry for this variant (Variation ID: 1016420). This variant has not been reported in the literature in individuals affected with SYNJ1-related conditions. This variant is present in population databases (no rsID available, gnomAD 0.003%). This sequence change replaces aspartic acid, which is acidic and polar, with glutamic acid, which is acidic and polar, at codon 215 of the SYNJ1 protein (p.Asp215Glu). Algorithms developed to predict the effect of missense changes on protein structure and function (SIFT, PolyPhen-2, Align-GVGD) all suggest that this variant is likely to be tolerated. In summary, the available evidence is currently insufficient to determine the role of this variant in disease. Therefore, it has been classified as a Variant of Uncertain Significance.

Athena Diagnostics
Classification: Uncertain significance. Last evaluated: 2021-08-30. Review status: criteria provided, single submitter. Criteria: Athena Diagnostics Criteria. Collection method: clinical testing. Allele origin: unknown.